The following is an entry in ClinVar:

ClinVar aggregate classification (germline): Likely pathogenic (1 of 4 stars; one submission).

Conditions:
Intellectual developmental disorder with dysmorphic facies and behavioral abnormalities. Identifiers: MedGen C4748135, MONDO:0060760, OMIM 618089.

Submission:

Greenwood Genetic Center Diagnostic Laboratories, Greenwood Genetic Center
Classification: Likely pathogenic for Intellectual developmental disorder with dysmorphic facies and behavioral abnormalities. Last evaluated: 2025-10-24. Review status: criteria provided, single submitter. Criteria: ACMG Guidelines, 2015. Collection method: clinical testing. Allele origin: germline. Affected: yes.
Comment: PM2, PM6, PP2, PP3

NM_001190274.2(FBXO11):c.1642C>A (p.Gln548Lys)

Gene: FBXO11 (F-box protein 11; minus strand). Cytogenetic location: 2p16.3.
Variant type: single nucleotide variant.
Coding change: c.1642C>A on transcript NM_001190274.2 (MANE Select); coding-DNA position 1642, C replaced by A.
Protein change: p.Gln548Lys; replaces glutamine 548 with lysine.
Molecular consequence: missense variant.
Genome position (GRCh38, 1-based): chr2:47,822,278, G>T on the plus strand (C>A on the coding strand, the complement: FBXO11 is on the minus strand). VCF-style: chr2-47822278-G-T. GRCh37 (hg19) VCF-style: chr2-48049417-G-T.
Other names: c.1390C>A, p.Gln464Lys (NM_001374325.1, NM_025133.4); short protein forms Q464K, Q548K.
Identifiers: ClinVar variation 4845602 (VCV004845602.1).